The following is an entry in ClinVar:

ClinVar aggregate classification (germline): Uncertain significance. Review status: criteria provided, multiple submitters, no conflicts (2 of 4 stars). 2 submissions from 2 submitters: Uncertain significance (2). Last evaluated 2025-08-26.

Conditions:
Hereditary cancer-predisposing syndrome. Also called: Tumor predisposition; Neoplastic Syndromes, Hereditary; Hereditary neoplastic syndrome; Hereditary Cancer Syndrome. Identifiers: Orphanet 140162, MedGen C0027672, MeSH D009386, MONDO:0015356.

Allele frequency attached by ClinVar (database versions not stated): TOPMed 0.00001.

Submissions (2):

Ambry Genetics
Classification: Uncertain significance for Hereditary cancer-predisposing syndrome. Last evaluated: 2025-08-26. Review status: criteria provided, single submitter. Criteria: Ambry Variant Classification Scheme 2023. Collection method: clinical testing. Allele origin: germline.
Comment: The p.Q226E variant (also known as c.676C>G), located in coding exon 5 of the CTNNA1 gene, results from a C to G substitution at nucleotide position 676. The glutamine at codon 226 is replaced by glutamic acid, an amino acid with highly similar properties. This amino acid position is well conserved in available vertebrate species. In addition, this alteration is predicted to be tolerated by in silico analysis. Based on the available evidence, the clinical significance of this variant remains unclear.

Labcorp Genetics (formerly Invitae), Labcorp
Classification: Uncertain significance. Last evaluated: 2025-07-17. Review status: criteria provided, single submitter. Criteria: Invitae Variant Classification Sherloc (09022015). Collection method: clinical testing. Allele origin: germline.
Comment: This sequence change replaces glutamine, which is neutral and polar, with glutamic acid, which is acidic and polar, at codon 226 of the CTNNA1 protein (p.Gln226Glu). This variant is not present in population databases (gnomAD no frequency). This variant has not been reported in the literature in individuals affected with CTNNA1-related conditions. ClinVar contains an entry for this variant (Variation ID: 848098). Invitae Evidence Modeling of protein sequence and biophysical properties (such as structural, functional, and spatial information, amino acid conservation, physicochemical variation, residue mobility, and thermodynamic stability) indicates that this missense variant is not expected to disrupt CTNNA1 protein function with a negative predictive value of 80%. In summary, the available evidence is currently insufficient to determine the role of this variant in disease. Therefore, it has been classified as a Variant of Uncertain Significance.

NM_001903.5(CTNNA1):c.676C>G (p.Gln226Glu)

Gene: CTNNA1 (catenin alpha 1; plus strand). Cytogenetic location: 5q31.2.
Variant type: single nucleotide variant.
Coding change: c.676C>G on transcript NM_001903.5 (MANE Select); coding-DNA position 676, C replaced by G.
Protein change: p.Gln226Glu; replaces glutamine 226 with glutamic acid.
Molecular consequence: missense variant.
Genome position (GRCh38, 1-based): chr5:138,824,617, C>G. VCF-style: chr5-138824617-C-G. GRCh37 (hg19) VCF-style: chr5-138160306-C-G.
Other names: c.676C>G (NM_001903.2); c.676C>G, p.Gln226Glu (NM_001290307.3, NM_001323982.2, NM_001323983.1 and 3 more transcripts); c.367C>G, p.Gln123Glu (NM_001290309.3); c.307C>G, p.Gln103Glu (NM_001290310.3); short protein forms Q103E, Q226E, Q123E.
Identifiers: ClinVar variation 848098 (VCV000848098.8), dbSNP rs1475281622, ClinGen allele CA361129677.